The following is an entry in ClinVar:

ClinVar aggregate classification (germline): Likely pathogenic (1 of 4 stars; one submission).

Conditions:
Marfan syndrome (MFS). Also called: MARFAN SYNDROME, TYPE I; Marfan syndrome type 1; Marfan's syndrome; Marfan syndrome, classic; FBN1-Related Marfan Syndrome. Identifiers: Orphanet 284963, Orphanet 558, MedGen C0024796, MONDO:0007947, OMIM 154700.

Submission:

Juno Genomics, Hangzhou Juno Genomics, Inc
Classification: Likely pathogenic for Marfan syndrome. Review status: criteria provided, single submitter. Criteria: ACMG Guidelines, 2015. Collection method: clinical testing. Allele origin: germline. Affected: yes.
Comment: Absent from controls (or at extremely low frequency if recessive) in Genome Aggregation Database, Exome Sequencing Project, 1000 Genomes Project, or Exome Aggregation Consortium.;Missense variant in a gene that has a low rate of benign missense variation and where missense variants are a common mechanism of disease.;Multiple lines of computational evidence support a deleterious effect on the gene or gene product (conservation, evolutionary, splicing impact, etc).;Located in a mutational hot spot and/or critical and well-established functional domain (e.g. active site of an enzyme) without benign variation.

NM_000138.5(FBN1):c.1709_1710delinsTG (p.Cys570Leu)

Gene: FBN1 (fibrillin 1; minus strand). Cytogenetic location: 15q21.1.
Variant type: Indel.
Coding change: c.1709_1710delinsTG on transcript NM_000138.5 (MANE Select); coding-DNA positions 1709 to 1710, GT replaced by TG.
Protein change: p.Cys570Leu; replaces cysteine 570 with leucine.
Molecular consequence: missense variant.
Genome position (GRCh38, 1-based): chr15:48,510,048-48,510,049, AC replaced by CA on the plus strand (GT replaced by TG on the coding strand, the reverse complement: FBN1 is on the minus strand). VCF-style: chr15-48510048-AC-CA. GRCh37 (hg19) VCF-style: chr15-48802245-AC-CA.
Other names: c.1709_1710delinsTG, p.Cys570Leu (NM_001406716.1); short protein forms C570L.
Identifiers: ClinVar variation 4531199 (VCV004531199.1).
Genomic context (GRCh38, chr15:48,510,048, plus strand): 5'-CCTGATATTGAAACTGCAATGGAAGGAGAGGACTAACATTAGTATACTATTATTACCTTC[AC>CA]AGTTCTTCCCATCTCGTGTAACATGAAAGCCCGCATTACACACGCAATGAAAACTGCCAT-3'
Protein context (NP_000129.3, residues 560-580): GFHVTRDGKN[Cys570Leu]EDMDECSIRN